The following is an entry in ClinVar:

NM_006734.4(HIVEP2):c.4726T>C (p.Ser1576Pro)

Gene: HIVEP2 (HIVEP zinc finger 2; minus strand). Cytogenetic location: 6q24.2.
Variant type: single nucleotide variant.
Coding change: c.4726T>C on transcript NM_006734.4 (MANE Select); coding-DNA position 4726, T replaced by C.
Protein change: p.Ser1576Pro; replaces serine 1576 with proline.
Molecular consequence: missense variant.
Genome position (GRCh38, 1-based): chr6:142,770,013, A>G on the plus strand (T>C on the coding strand, the complement: HIVEP2 is on the minus strand). VCF-style: chr6-142770013-A-G. GRCh37 (hg19) VCF-style: chr6-143091150-A-G.
Other names: short protein forms S1576P.
Identifiers: ClinVar variation 1698760 (VCV001698760.2), dbSNP rs2114644719, ClinGen allele CA365898398.
Genomic context (GRCh38, chr6:142,770,013, plus strand): 5'-CTTCCAGCTGACCATCTCCTGCTGGTAATGAAGAACTCTGTGGGCTCATGCTCATGTCCG[A>G]TGCCGTCTCATCGATATCTAATTCATCTGAAGATTCTTTGCTTTCAGAAGGCCCACTGGA-3'
Protein context (NP_006725.3, residues 1566-1586): SDELDIDETA[Ser1576Pro]DMSMSPQSSS

ClinVar aggregate classification (germline): Uncertain significance (1 of 4 stars; one submission).

Conditions:
Intellectual developmental disorder, autosomal dominant 43. Also called: Intellectual disability, autosomal dominant 43. Identifiers: MedGen C4707429, MONDO:0014858, OMIM 616977.

Allele frequency attached by ClinVar (database versions not stated): gnomAD exomes below 0.00001.
gnomAD v4.1: 2 of 1,614,124 alleles (0.00012%); highest among the groups gnomAD compares: Non-Finnish European, 0.00017%; no homozygotes.

Submission:

Genetics and Molecular Pathology, SA Pathology
Classification: Uncertain significance for Intellectual developmental disorder, autosomal dominant 43. Last evaluated: 2020-04-23. Review status: criteria provided, single submitter. Criteria: ACMG Guidelines, 2015. Collection method: clinical testing. Allele origin: germline. Affected: yes.
Comment: The HIVEP2 c.4726T>C variant is a single nucleotide change from a thymine to a cytosine at position 4726 which is predicted to change the serine at position 1576 in the protein to proline. The variant has not been described in the literature to date. The variant has not been reported in dbSNP and is absent from population databases (PM2). The variant has not been reported in the ClinVar or HGMD disease databases. Computational predictions support a deleterious effect on the gene or gene product (PP3).